The following is an entry in ClinVar:

NM_003060.4(SLC22A5):c.1409C>T (p.Ser470Phe)

Gene: SLC22A5 (solute carrier family 22 member 5; plus strand). Cytogenetic location: 5q31.1.
Variant type: single nucleotide variant.
Coding change: c.1409C>T on transcript NM_003060.4 (MANE Select); coding-DNA position 1409, C replaced by T.
Protein change: p.Ser470Phe; replaces serine 470 with phenylalanine.
Molecular consequence: missense variant.
Genome position (GRCh38, 1-based): chr5:132,392,574, C>T. VCF-style: chr5-132392574-C-T. GRCh37 (hg19) VCF-style: chr5-131728266-C-T.
Other names: p.Ser470Phe; c.1481C>T, p.Ser494Phe (NM_001308122.2); short protein forms S494F.
Identifiers: ClinVar variation 25425 (VCV000025425.62), dbSNP rs386134222, ClinGen allele CA342683.

ClinVar aggregate classification (germline): Pathogenic/Likely pathogenic. Review status: criteria provided, multiple submitters, no conflicts (2 of 4 stars). 10 submissions from 10 submitters: Pathogenic (5); Likely pathogenic (4). 1 of the submissions does not count toward it. Last evaluated 2026-01-10.

Conditions:
Carnitine deficiency. Identifiers: MedGen C1142132.
Renal carnitine transport defect (CDSP). Also called: Carnitine transporter deficiency; Carnitine Deficiency, Systemic; Primary carnitine deficiency; Systemic primary carnitine deficiency; CARNITINE DEFICIENCY, SYSTEMIC, DUE TO DEFECT IN RENAL REABSORPTION OF CARNITINE; CARNITINE TRANSPORTER, PLASMA-MEMBRANE, DEFICIENCY OF. Identifiers: Orphanet 158, MedGen C0342788, MONDO:0008919, OMIM 212140.

Allele frequency attached by ClinVar (database versions not stated): gnomAD exomes 0.00001 and below 0.00001; ExAC 0.00002.
gnomAD v4.1: 4 of 1,614,192 alleles (0.00025%); highest among the groups gnomAD compares: South Asian, 0.0033%; no homozygotes.

Submissions (10):

Natera, Inc.
Classification: Likely pathogenic for Carnitine deficiency. Last evaluated: 2026-01-10. Review status: criteria provided, single submitter. Criteria: Natera Variant Classification Schema (03/2026). Collection method: clinical testing. Allele origin: germline.
Comment: The c.1409C>T variant in SLC22A5 is a missense variant predicted to cause substitution of serine to phenylalanine at amino acid 470. This variant is rare in the general population with a frequency below the threshold expected for the associated phenotype(s). This variant has been observed in one or more individuals affected with the associated recessive disease, as either homozygous or compound heterozygous with a second variant (PMID: 12210323, 30069296). Functional studies show that this variant may disrupt protein function (PMID: 28841266). Computational prediction algorithms indicate this variant is likely to affect gene or protein function. Given the available evidence, this variant is classified as Likely Pathogenic.

Labcorp Genetics (formerly Invitae), Labcorp
Classification: Pathogenic for Renal carnitine transport defect. Last evaluated: 2025-02-12. Review status: criteria provided, single submitter. Criteria: Invitae Variant Classification Sherloc (09022015). Collection method: clinical testing. Allele origin: germline.
Comment: This sequence change replaces serine, which is neutral and polar, with phenylalanine, which is neutral and non-polar, at codon 470 of the SLC22A5 protein (p.Ser470Phe). This variant is present in population databases (rs386134222, gnomAD 0.006%). This missense change has been observed in individual(s) with carnitine deficiency (PMID: 12210323). ClinVar contains an entry for this variant (Variation ID: 25425). Invitae Evidence Modeling of protein sequence and biophysical properties (such as structural, functional, and spatial information, amino acid conservation, physicochemical variation, residue mobility, and thermodynamic stability) indicates that this missense variant is expected to disrupt SLC22A5 protein function with a positive predictive value of 95%. Experimental studies have shown that this missense change affects SLC22A5 function (PMID: 28841266). For these reasons, this variant has been classified as Pathogenic.

Fulgent Genetics
Classification: Likely pathogenic for Renal carnitine transport defect. Last evaluated: 2024-05-18. Review status: criteria provided, single submitter. Criteria: ACMG Guidelines, 2015. Collection method: clinical testing. Allele origin: germline.

Women's Health and Genetics/Laboratory Corporation of America, LabCorp
Classification: Pathogenic for Renal carnitine transport defect. Last evaluated: 2024-05-15. Review status: criteria provided, single submitter. Criteria: LabCorp Variant Classification Summary - May 2015. Collection method: clinical testing. Allele origin: germline.
Comment: Variant summary: SLC22A5 c.1409C>T (p.Ser470Phe) results in a non-conservative amino acid change located in the Major facilitator superfamily domain (IPR020846) of the encoded protein sequence. Five of five in-silico tools predict a damaging effect of the variant on protein function. The variant allele was found at a frequency of 8e-06 in 251466 control chromosomes. c.1409C>T has been reported in the literature in the homozygous state in multiple individuals affected with Systemic Primary Carnitine Deficiency (e.g. Cheema_2020, ALghamdi_2018, Lamhonwah_2002). These data indicate that the variant is very likely to be associated with disease. At least one in vitro study in CHO cells reports experimental evidence that this variant results in 0 transport activity compared to wildtype (e.g. Frigeni_2017). This variant is also known as c.1481C>T(p.Ser494Phe). The following publications have been ascertained in the context of this evaluation (PMID: 30069296, 33083013, 28841266, 12210323). ClinVar contains an entry for this variant (Variation ID: 25425). Based on the evidence outlined above, the variant was classified as pathogenic.

Giacomini Lab, University of California, San Francisco
Classification: Likely pathogenic for Renal carnitine transport defect. Last evaluated: 2022-10-03. Review status: criteria provided, single submitter. Criteria: ACMG Guidelines, 2015. Collection method: research, in vitro. Allele origin: germline, not applicable.

Genome-Nilou Lab
Classification: Likely pathogenic for Renal carnitine transport defect. Last evaluated: 2021-07-15. Review status: criteria provided, single submitter. Criteria: ACMG Guidelines, 2015. Collection method: clinical testing. Allele origin: germline. Affected: no.

CeGaT Center for Human Genetics Tuebingen
Classification: Pathogenic. Last evaluated: 2019-02-01. Review status: criteria provided, single submitter. Criteria: CeGaT Center For Human Genetics Tuebingen Variant Classification Criteria Version 2. Collection method: clinical testing. Allele origin: germline. Affected: yes. Observed: 1 variant allele.

Center for Pediatric Genomic Medicine, Children's Mercy Hospital and Clinics
Classification: Pathogenic. Last evaluated: 2017-06-19. Review status: criteria provided, single submitter. Criteria: ACMG Guidelines, 2015. Collection method: clinical testing. Allele origin: germline.

CENTOGENE GmbH and LLC - Guiding Precision Medicine
Classification: Pathogenic for Primary carnitine deficiency. Review status: criteria provided, single submitter. Criteria: ACMG Guidelines, 2015. Collection method: clinical testing. Allele origin: germline. Affected: yes.

Counsyl
Classification: Uncertain significance for Renal carnitine transport defect. Last evaluated: 2018-05-03. Review status: no assertion criteria provided. Collection method: clinical testing. Allele origin: unknown. Not counted in ClinVar's aggregate classification.

Literature cited by the submitters: PubMed 12210323 (cited by 4 submitters); PubMed 30069296 (cited by Natera, Inc. and Women's Health and Genetics/Laboratory Corporation of America, LabCorp); PubMed 28841266 (cited by 3 submitters); PubMed 33083013 (cited by Women's Health and Genetics/Laboratory Corporation of America, LabCorp).